The following is an entry in ClinVar:

ClinVar aggregate classification (germline): Pathogenic (1 of 4 stars; one submission).

Conditions:
Mucopolysaccharidosis, MPS-IV-A (MPS4A). Also called: Morquio syndrome A, mild; MORQUIO SYNDROME A; GALACTOSAMINE-6-SULFATASE DEFICIENCY; GALNS DEFICIENCY; MORQUIO A DISEASE; Mucopolysaccharidosis type IV A. Identifiers: Orphanet 309297, Orphanet 582, MedGen C0086651, MONDO:0009659, OMIM 253000.

Submission:

3billion
Classification: Pathogenic for Mucopolysaccharidosis, MPS-IV-A. Last evaluated: 2022-05-22. Review status: criteria provided, single submitter. Criteria: ACMG Guidelines, 2015. Collection method: clinical testing. Allele origin: germline. Affected: yes. Observed: 1 homozygote.
Comment: The variant is not observed in the gnomAD v2.1.1 dataset. Stop-gained (nonsense): predicted to result in a loss or disruption of normal protein function through nonsense-mediated decay (NMD) or protein truncation. Multiple pathogenic variants are reported downstream of the variant. Therefore, this variant is classified as pathogenic according to the recommendation of ACMG/AMP guideline.

NM_000512.5(GALNS):c.472G>T (p.Glu158Ter)

Gene: GALNS (galactosamine (N-acetyl)-6-sulfatase; minus strand). Cytogenetic location: 16q24.3.
Variant type: single nucleotide variant.
Coding change: c.472G>T on transcript NM_000512.5 (MANE Select); coding-DNA position 472, G replaced by T.
Protein change: p.Glu158Ter; replaces glutamic acid 158 with a stop codon.
Molecular consequence: nonsense. On other transcripts: 5 prime UTR variant (1).
Genome position (GRCh38, 1-based): chr16:88,837,716, C>A on the plus strand (G>T on the coding strand, the complement: GALNS is on the minus strand). VCF-style: chr16-88837716-C-A. GRCh37 (hg19) VCF-style: chr16-88904124-C-A.
Other names: c.-84G>T (NM_001323543.2); c.490G>T, p.Glu164Ter (NM_001323544.2); short protein forms E158*, E164*.
Identifiers: ClinVar variation 1687514 (VCV001687514.1), dbSNP rs2143002428, ClinGen allele CA397083233.
Genomic context (GRCh38, chr16:88,837,716, plus strand): 5'-TGTTGGGCCTGGCCTTGTTGTCATAAGGTCCAAAGTGGCAGTTGGGGGATCCAAACCACT[C>A]ATCAAATCCGTGCTTCAGGGGGTGGAACTGGGGCCTGTGACCCAGATGCCTGGAAACAGG-3'